The following is an entry in ClinVar:

NM_000051.4(ATM):c.2686C>A (p.Leu896Ile)

Gene: ATM (ATM serine/threonine kinase; plus strand). Cytogenetic location: 11q22.3.
Variant type: single nucleotide variant.
Coding change: c.2686C>A on transcript NM_000051.4 (MANE Select); coding-DNA position 2686, C replaced by A.
Protein change: p.Leu896Ile; replaces leucine 896 with isoleucine.
Molecular consequence: missense variant.
Genome position (GRCh38, 1-based): chr11:108,268,457, C>A. VCF-style: chr11-108268457-C-A. GRCh37 (hg19) VCF-style: chr11-108139184-C-A.
Other names: c.2686C>A, p.Leu896Ile (NM_001351834.2); short protein forms L896I.
Identifiers: ClinVar variation 2115498 (VCV002115498.4), dbSNP rs747696133, ClinGen allele CA382545167.

ClinVar aggregate classification (germline): Uncertain significance (1 of 4 stars; one submission).

Conditions:
Ataxia-telangiectasia syndrome (AT). Also called: Ataxia-telangiectasia; AT, COMPLEMENTATION GROUP C; ATAXIA-TELANGIECTASIA, COMPLEMENTATION GROUP A; ATAXIA-TELANGIECTASIA, FRESNO VARIANT; Ataxia-telangiectasia, complementation group E; LOUIS-BAR SYNDROME. Identifiers: Orphanet 100, MedGen C0004135, MONDO:0008840, OMIM 208900.

Submission:

Labcorp Genetics (formerly Invitae), Labcorp
Classification: Uncertain significance for Ataxia-telangiectasia syndrome. Last evaluated: 2022-03-22. Review status: criteria provided, single submitter. Criteria: Invitae Variant Classification Sherloc (09022015). Collection method: clinical testing. Allele origin: germline.
Comment: This sequence change replaces leucine, which is neutral and non-polar, with isoleucine, which is neutral and non-polar, at codon 896 of the ATM protein (p.Leu896Ile). This variant is not present in population databases (gnomAD no frequency). This variant has not been reported in the literature in individuals affected with ATM-related conditions. Advanced modeling of protein sequence and biophysical properties (such as structural, functional, and spatial information, amino acid conservation, physicochemical variation, residue mobility, and thermodynamic stability) performed at Invitae indicates that this missense variant is not expected to disrupt ATM protein function. In summary, the available evidence is currently insufficient to determine the role of this variant in disease. Therefore, it has been classified as a Variant of Uncertain Significance.